The following is an entry in ClinVar:

ClinVar aggregate classification (germline): Pathogenic (1 of 4 stars; one submission).

Conditions:
Cowden syndrome 3 (CWS3). Identifiers: Orphanet 201, MedGen CN166604, MONDO:0014045.
Pheochromocytoma. Also called: MAX-Related Hereditary Paraganglioma-Pheochromocytoma Syndrome. Identifiers: Orphanet 29072, MedGen C0031511, MONDO:0008233, OMIM 171300, HP:0002666.
Pheochromocytoma/paraganglioma syndrome 1. Also called: PARAGANGLIOMATA; PARAGANGLIOMAS, FAMILIAL NONCHROMAFFIN, 1; PGL 1; Paragangliomas familial 1; Paraganglioma - glomus jugulare; SDHD-Related Hereditary Paraganglioma-Pheochromocytoma Syndrome. Identifiers: Orphanet 29072, MedGen C3494181, MONDO:0008192, OMIM 168000.
Carney-Stratakis syndrome. Also called: PARAGANGLIOMA AND GASTROINTESTINAL STROMAL TUMOR. Identifiers: Orphanet 97286, MedGen C1847319, MONDO:0011740, OMIM 606864.

Submission:

Labcorp Genetics (formerly Invitae), Labcorp
Classification: Pathogenic for Carney-Stratakis syndrome; Paragangliomas with sensorineural hearing loss; Pheochromocytoma; Cowden syndrome 3. Last evaluated: 2020-10-18. Review status: criteria provided, single submitter. Criteria: Invitae Variant Classification Sherloc (09022015). Collection method: clinical testing. Allele origin: germline.
Comment: This variant is a gross deletion of the genomic region encompassing exons 1-2 of the SDHD gene, which includes the initiator codon. The 5' end of this event is unknown as it extends beyond the assayed region for this gene and therefore may encompass additional genes. The 3' boundary is likely confined to intron 2 of the SDHD gene. This is expected to result in an absent or disrupted protein product. This variant has been observed in individual(s) with head and neck paragangliomas (HNPGL) (PMID: 19351833, Invitae). Loss-of-function variants in SDHD are known to be pathogenic (PMID: 19454582, 19802898). For these reasons, this variant has been classified as Pathogenic.

Literature cited by the submitters: PubMed 19351833; PubMed 19454582; PubMed 19802898.

NC_000011.9:g.(?_111957547)_(111958707_?)del

Gene: SDHD (succinate dehydrogenase complex subunit D; plus strand). Cytogenetic location: 11q23.1.
Variant type: Deletion.
Identifiers: ClinVar variation 1076624 (VCV001076624.1).